The following is an entry in ClinVar:

ClinVar aggregate classification (germline): Pathogenic (1 of 4 stars; one submission).

Conditions:
Intellectual developmental disorder, X-linked, syndromic 14. Also called: Syndromic X-linked intellectual disability 14. Identifiers: Orphanet 776, MedGen C1970822, MONDO:0010398, OMIM 300676.

Submission:

Imagene.me medical diagnostic laboratory, IMAGENE.ME SA
Classification: Pathogenic for Intellectual developmental disorder, X-linked, syndromic 14. Review status: criteria provided, single submitter. Criteria: IMAGENE.ME Variant Classification SOP 2022. Collection method: clinical testing. Allele origin: germline. Affected: yes.
Comment: Classified according to the IMAGENE.ME variant classification SOP based on the ACMG guidelines as Pathogenic (P): PVS1 + PM2 + PP4

NM_080632.3(UPF3B):c.280_283del (p.Tyr94fs)

Gene: UPF3B (UPF3B regulator of nonsense mediated mRNA decay; minus strand). Cytogenetic location: Xq24.
Variant type: Microsatellite.
Coding change: c.280_283del on transcript NM_080632.3 (MANE Select); coding-DNA positions 280 to 283, 4 bases deleted (TATG; older notation c.280_283delTATG).
Protein change: p.Tyr94fs; shifts the reading frame from tyrosine 94.
Molecular consequence: frameshift variant.
Genome position (GRCh38, 1-based): chrX:119,851,582-119,851,585, CATA deleted on the plus strand (TATG on the coding strand, the reverse complement: UPF3B is on the minus strand); deleting any 4 consecutive bases within chrX:119,851,582-119,851,589 gives the same sequence; the c. name uses the placement nearest the transcript's 3' end. VCF-style (leftmost placement, unchanged base first): chrX-119851581-GCATA-G. GRCh37 (hg19) VCF-style: chrX-118985544-GCATA-G.
Other names: c.280_283del, p.Tyr94fs (NM_023010.4); short protein forms Y94fs.
Identifiers: ClinVar variation 4685508 (VCV004685508.1).
Genomic context (GRCh38, chrX:119,851,581, plus strand): 5'-TCAAAGCGATCCCTGAACAAAATAATGTCCTCTTGGTTTTTAAAGTTGATGTATGCTCTG[GCATA>G]CATATGAGGATACAAACTGCAGAGAGGAAAGCAATTATGTAAATGTACTCGCAGGTGTCT-3'